The following is an entry in ClinVar:

NM_152424.4(AMER1):c.-1C>A

Gene: AMER1 (APC membrane recruitment protein 1; minus strand). Cytogenetic location: Xq11.2.
Variant type: single nucleotide variant.
Coding change: c.-1C>A on transcript NM_152424.4 (MANE Select); 1 bases upstream of the start codon, C replaced by A.
Molecular consequence: 5 prime UTR variant.
Genome position (GRCh38, 1-based): chrX:64,193,287, G>T on the plus strand (C>A on the coding strand, the complement: AMER1 is on the minus strand). VCF-style: chrX-64193287-G-T. GRCh37 (hg19) VCF-style: chrX-63413167-G-T.
Identifiers: ClinVar variation 3063609 (VCV003063609.1), dbSNP rs1439871070, ClinGen allele CA642470728.

ClinVar aggregate classification (germline): Uncertain significance (1 of 4 stars; one submission).

Allele frequency attached by ClinVar (database versions not stated): gnomAD exomes below 0.00001; TOPMed below 0.00001; gnomAD 0.00001.
gnomAD v4.1: 7 of 1,209,638 alleles (0.00058%); highest among the groups gnomAD compares: Non-Finnish European, 0.00067%; no homozygotes.

Submission:

Women's Health and Genetics/Laboratory Corporation of America, LabCorp
Classification: Uncertain significance. Last evaluated: 2024-01-02. Review status: criteria provided, single submitter. Criteria: LabCorp Variant Classification Summary - May 2015. Collection method: clinical testing. Allele origin: germline.
Comment: Variant summary: FAM123B c.-1C>A is located in the untranslated mRNA region upstream of the initiation codon. The variant allele was found at a frequency of 5.8e-06 in 1209638 control chromosomes in gnomAD database, including one hemizygote. The available data on variant occurrences in the general population are insufficient to allow any conclusion about variant significance. To our knowledge, no occurrence of c.-1C>A in individuals affected with Osteopathia Striata With Cranial Sclerosis and no experimental evidence demonstrating its impact on protein function have been reported. No submitters have cited clinical-significance assessments for this variant to ClinVar after 2014. Based on the evidence outlined above, the variant was classified as uncertain significance.